The following is an entry in ClinVar:

NM_001005498.4(RHBDF2):c.776C>T (p.Thr259Met)

Gene: RHBDF2 (rhomboid 5 homolog 2; minus strand). Cytogenetic location: 17q25.1.
Variant type: single nucleotide variant.
Coding change: c.776C>T on transcript NM_001005498.4 (MANE Select); coding-DNA position 776, C replaced by T.
Protein change: p.Thr259Met; replaces threonine 259 with methionine.
Molecular consequence: missense variant. On other transcripts: non-coding transcript variant (3).
Genome position (GRCh38, 1-based): chr17:76,477,682, G>A on the plus strand (C>T on the coding strand, the complement: RHBDF2 is on the minus strand). VCF-style: chr17-76477682-G-A. GRCh37 (hg19) VCF-style: chr17-74473764-G-A.
Other names: c.776C>T, p.Thr259Met (NM_001376228.1, NM_001376229.1, NM_001376230.1); c.863C>T, p.Thr288Met (NM_024599.5); short protein forms T259M, T288M.
Identifiers: ClinVar variation 4762106 (VCV004762106.1).
Genomic context (GRCh38, chr17:76,477,682, plus strand): 5'-CACCCAACTCCTGCTGTCCCACACCCCATGCTTGCCTTACTAAAAAAGGAGGAGTCAAAC[G>A]TGTCTGCCCCATCGACCACATCCTCCTCCAGGAAGCTCGGGAAGGCAAAGCTGCGCTTGA-3'
Protein context (NP_001005498.2, residues 249-269): LEEDVVDGAD[Thr259Met]FDSSFFSKEE

ClinVar aggregate classification (germline): Uncertain significance (1 of 4 stars; one submission).

gnomAD v4.1: 29 of 1,613,978 alleles (0.0018%); highest among the groups gnomAD compares: East Asian, 0.038%; no homozygotes.

Submission:

Labcorp Genetics (formerly Invitae), Labcorp
Classification: Uncertain significance. Last evaluated: 2025-07-30. Review status: criteria provided, single submitter. Criteria: Invitae Variant Classification Sherloc (09022015). Collection method: clinical testing. Allele origin: germline.
Comment: This sequence change replaces threonine, which is neutral and polar, with methionine, which is neutral and non-polar, at codon 288 of the RHBDF2 protein (p.Thr288Met). This variant is present in population databases (rs780237949, gnomAD 0.06%). This variant has not been reported in the literature in individuals affected with RHBDF2-related conditions. An algorithm developed to predict the effect of missense changes on protein structure and function (PolyPhen-2) suggests that this variant is likely to be disruptive. In summary, the available evidence is currently insufficient to determine the role of this variant in disease. Therefore, it has been classified as a Variant of Uncertain Significance.